The following is an entry in ClinVar:

ClinVar aggregate classification (germline): Pathogenic (1 of 4 stars; one submission).

Conditions:
Gastrointestinal stromal tumor. Also called: Gastrointestinal stromal tumor, somatic; Gastrointestinal stroma tumor. Identifiers: Orphanet 44890, MedGen C0238198, MeSH D046152, MONDO:0011719, OMIM 606764, HP:0100723.

Submission:

Labcorp Genetics (formerly Invitae), Labcorp
Classification: Pathogenic for Gastrointestinal stromal tumor. Last evaluated: 2023-12-04. Review status: criteria provided, single submitter. Criteria: Invitae Variant Classification Sherloc (09022015). Collection method: clinical testing. Allele origin: unknown.
Comment: A gross deletion of the genomic region encompassing the full coding sequence of the KIT gene has been identified. Loss-of-function variants in KIT are known to be pathogenic (PMID: 15194144). The boundaries of this event are unknown as they extend beyond the assayed region for this gene and therefore may encompass additional genes. A similar copy number variant has been observed in individual(s) with piebaldism (PMID: 1279971, 1720553, 7529964). For these reasons, this variant has been classified as Pathogenic.

Literature cited by the submitters: PubMed 15194144; PubMed 1279971; PubMed 1720553; PubMed 7529964.

NC_000004.11:g.(?_55124936)_(57786056_?)del

Genes: ARL9 (ARF like GTPase 9; plus strand), AASDH (aminoadipate-semialdehyde dehydrogenase; minus strand), CEP135 (centrosomal protein 135; plus strand), CLOCK (clock circadian regulator; minus strand), CRACD (capping protein inhibiting regulator of actin dynamics; plus strand) and 15 more. Cytogenetic location: 4q12.
Variant type: Deletion.
Identifiers: ClinVar variation 3246588 (VCV003246588.1).